The following is an entry in ClinVar:

NM_000554.6(CRX):c.818C>T (p.Thr273Met)

Gene: CRX (cone-rod homeobox; plus strand). Cytogenetic location: 19q13.33.
Variant type: single nucleotide variant.
Coding change: c.818C>T on transcript NM_000554.6 (MANE Select); coding-DNA position 818, C replaced by T.
Protein change: p.Thr273Met; replaces threonine 273 with methionine.
Molecular consequence: missense variant.
Genome position (GRCh38, 1-based): chr19:47,839,885, C>T. VCF-style: chr19-47839885-C-T. GRCh37 (hg19) VCF-style: chr19-48343142-C-T.
Other names: c.818C>T (NM_000554.5); short protein forms T273M.
Identifiers: ClinVar variation 99624 (VCV000099624.11), dbSNP rs281865203, ClinGen allele CA227647.
Genomic context (GRCh38, chr19:47,839,885, plus strand): 5'-TATCAGGCCAGAGCTATGGCGCCTACAGCCCCGTGGATAGCTTGGAATTCAAGGACCCCA[C>T]GGGCACCTGGAAATTCACCTACAATCCCATGGACCCTCTGGACTACAAGGATCAGAGTGC-3'
Protein context (NP_000545.1, residues 263-283): PVDSLEFKDP[Thr273Met]GTWKFTYNPM

ClinVar aggregate classification (germline): Uncertain significance. Review status: criteria provided, multiple submitters, no conflicts (2 of 4 stars). 4 submissions from 4 submitters: Uncertain significance (3). 1 of the submissions does not count toward it. Last evaluated 2026-01-15.

Conditions:
CRX-related disorder. Also called: CRX-related condition.
Leber congenital amaurosis 7 (LCA7). Identifiers: Orphanet 65, MedGen C3151192, MONDO:0013449, OMIM 613829.
Cone-rod dystrophy 2 (CORD2). Also called: CONE-ROD RETINAL DYSTROPHY; Cone-rod retinal dystrophy 2. Identifiers: Orphanet 1872, MedGen C3489532, MONDO:0007362, OMIM 120970.

Allele frequency attached by ClinVar (database versions not stated): TOPMed 0.00003; gnomAD 0.00004; gnomAD exomes 0.00004 and 0.00005; ExAC 0.00005.
gnomAD v4.1: 79 of 1,613,994 alleles (0.0049%); highest among the groups gnomAD compares: Admixed American, 0.017%; 1 homozygote.

Submissions (4):

PreventionGenetics, part of Exact Sciences
Classification: Uncertain significance for CRX-related condition. Last evaluated: 2026-01-15. Review status: criteria provided, single submitter. Criteria: ACMG Guidelines, 2015. Collection method: clinical testing. Allele origin: germline.
Comment: The CRX c.818C>T variant is predicted to result in the amino acid substitution p.Thr273Met. This variant has been reported in a cohort study of Leber congenital amaurosis (Zernant et al. 2005. PubMed ID: 16123401). This variant is present in 0.0085% of alleles in individuals of Latino descent in gnomAD. At this time, the clinical significance of this variant is uncertain due to the absence of conclusive functional and genetic evidence.

Labcorp Genetics (formerly Invitae), Labcorp
Classification: Uncertain significance for Cone-rod dystrophy 2; Leber congenital amaurosis 7. Last evaluated: 2024-10-22. Review status: criteria provided, single submitter. Criteria: Invitae Variant Classification Sherloc (09022015). Collection method: clinical testing. Allele origin: germline.
Comment: This sequence change replaces threonine, which is neutral and polar, with methionine, which is neutral and non-polar, at codon 273 of the CRX protein (p.Thr273Met). This variant is present in population databases (rs281865203, gnomAD 0.009%). This missense change has been observed in individual(s) with Leber congenital amaurosis (LCA) (PMID: 16123401). ClinVar contains an entry for this variant (Variation ID: 99624). Invitae Evidence Modeling of protein sequence and biophysical properties (such as structural, functional, and spatial information, amino acid conservation, physicochemical variation, residue mobility, and thermodynamic stability) indicates that this missense variant is not expected to disrupt CRX protein function with a negative predictive value of 95%. In summary, the available evidence is currently insufficient to determine the role of this variant in disease. Therefore, it has been classified as a Variant of Uncertain Significance.

Blueprint Genetics
Classification: Uncertain significance. Last evaluated: 2023-10-20. Review status: criteria provided, single submitter. Criteria: ACMG Guidelines, 2015. Collection method: clinical testing. Allele origin: germline.

Retina International
No classification provided. Review status: no classification provided. Collection method: not provided. Allele origin: not provided. Not counted in ClinVar's aggregate classification.

Literature cited by the submitters: PubMed 16123401 (cited by Labcorp Genetics (formerly Invitae), Labcorp).